The following is an entry in ClinVar:

NM_000180.4(GUCY2D):c.1094G>A (p.Arg365Gln)

Gene: GUCY2D (guanylate cyclase 2D, retinal; plus strand). Cytogenetic location: 17p13.1.
Variant type: single nucleotide variant.
Coding change: c.1094G>A on transcript NM_000180.4 (MANE Select); coding-DNA position 1094, G replaced by A.
Protein change: p.Arg365Gln; replaces arginine 365 with glutamine.
Molecular consequence: missense variant.
Genome position (GRCh38, 1-based): chr17:8,006,430, G>A. VCF-style: chr17-8006430-G-A. GRCh37 (hg19) VCF-style: chr17-7909748-G-A.
Other names: short protein forms R365Q.
Identifiers: ClinVar variation 933354 (VCV000933354.10), dbSNP rs141917297, ClinGen allele CA8365650.
Genomic context (GRCh38, chr17:8,006,430, plus strand): 5'-CACTCTTTGGCACCATCTATGACGCGGTCTTCTTGCTGGCAAGGGGCGTGGCAGAAGCGC[G>A]GGCTGCCGCAGGTGGCAGATGGGTGTCCGGAGCAGCTGTGGCCCGCCACATCCGGGATGC-3'
Protein context (NP_000171.1, residues 355-375): FLLARGVAEA[Arg365Gln]AAAGGRWVSG

ClinVar aggregate classification (germline): Uncertain significance. Review status: criteria provided, multiple submitters, no conflicts (2 of 4 stars). 2 submissions from 2 submitters: Uncertain significance (2). Last evaluated 2025-04-08.

Conditions:
Leber congenital amaurosis 1 (LCA1). Also called: Congenital absence of the rods and cones; Leber's congenital tapetoretinal degeneration; Leber's congenital tapetoretinal dysplasia; AMAUROSIS CONGENITA OF LEBER I; RETINAL BLINDNESS, CONGENITAL. Identifiers: Orphanet 65, MedGen C2931258, MONDO:0008764, OMIM 204000.
Cone-rod dystrophy 6 (CORD6). Also called: Cone dystrophy progressive; RETINAL CONE DYSTROPHY 2. Identifiers: Orphanet 1872, MedGen C1866293, MONDO:0011143, OMIM 601777.
GUCY2D-related disorder. Also called: GUCY2D-related condition.

Allele frequency attached by ClinVar (database versions not stated): TOPMed 0.00003; ESP Exome Variant Server 0.00008.
gnomAD v4.1: 17 of 1,603,528 alleles (0.0011%); highest among the groups gnomAD compares: African/African-American, 0.0027%; no homozygotes.

Submissions (2):

Labcorp Genetics (formerly Invitae), Labcorp
Classification: Uncertain significance for Leber congenital amaurosis 1; Cone-rod dystrophy 6. Last evaluated: 2025-04-08. Review status: criteria provided, single submitter. Criteria: Invitae Variant Classification Sherloc (09022015). Collection method: clinical testing. Allele origin: germline.
Comment: This sequence change replaces arginine, which is basic and polar, with glutamine, which is neutral and polar, at codon 365 of the GUCY2D protein (p.Arg365Gln). This variant is present in population databases (rs141917297, gnomAD 0.002%). This variant has not been reported in the literature in individuals affected with GUCY2D-related conditions. ClinVar contains an entry for this variant (Variation ID: 933354). Invitae Evidence Modeling of protein sequence and biophysical properties (such as structural, functional, and spatial information, amino acid conservation, physicochemical variation, residue mobility, and thermodynamic stability) indicates that this missense variant is not expected to disrupt GUCY2D protein function with a negative predictive value of 80%. In summary, the available evidence is currently insufficient to determine the role of this variant in disease. Therefore, it has been classified as a Variant of Uncertain Significance.

PreventionGenetics, part of Exact Sciences
Classification: Uncertain significance for GUCY2D-related condition. Last evaluated: 2025-03-31. Review status: criteria provided, single submitter. Criteria: ACMG Guidelines, 2015. Collection method: clinical testing. Allele origin: germline.
Comment: The GUCY2D c.1094G>A variant is predicted to result in the amino acid substitution p.Arg365Gln. To our knowledge, this variant has not been reported in the literature. This variant is reported in 0.0018% of alleles in individuals of European (Non-Finnish) descent in gnomAD. At this time, the clinical significance of this variant is uncertain due to the absence of conclusive functional and genetic evidence.